The following is an entry in ClinVar:

NM_000018.4(ACADVL):c.604dup (p.Leu202fs)

Gene: ACADVL (acyl-CoA dehydrogenase very long chain; plus strand). Cytogenetic location: 17p13.1.
Variant type: Duplication.
Coding change: c.604dup on transcript NM_000018.4 (MANE Select); coding-DNA position 604, one base duplicated (C; older notation c.604dupC).
Protein change: p.Leu202fs; shifts the reading frame from leucine 202.
Molecular consequence: frameshift variant.
Genome position (GRCh38, 1-based): chr17:7,221,664, C duplicated; the last of 2 consecutive C bases (chr17:7,221,663-7,221,664); duplicating either gives the same sequence. VCF-style (leftmost placement, unchanged base first): chr17-7221662-A-AC. GRCh37 (hg19) VCF-style: chr17-7124981-A-AC.
Other names: c.538dup, p.Leu180fs (NM_001033859.3); c.673dup, p.Leu225fs (NM_001270447.2); c.376dup, p.Leu126fs (NM_001270448.2); short protein forms L126fs, L180fs, L202fs, L225fs.
Identifiers: ClinVar variation 5011758 (VCV005011758.1).

ClinVar aggregate classification (germline): Pathogenic (1 of 4 stars; one submission).

Conditions:
Very long chain acyl-CoA dehydrogenase deficiency (ACADVLD). Also called: VLCAD Deficiency; Very Long-Chain Acyl-Coenzyme A Dehydrogenase Deficiency. Identifiers: Orphanet 26793, MedGen C3887523, MONDO:0008723, OMIM 201475.

Submission:

Myriad Genetics, Inc.
Classification: Pathogenic for Very long chain acyl-CoA dehydrogenase deficiency. Last evaluated: 2023-09-27. Review status: criteria provided, single submitter. Criteria: Myriad Autosomal Dominant, Autosomal Recessive and X-Linked Classification Criteria (2023). Collection method: clinical testing. Allele origin: unknown.
Comment: NM_000018.3(ACADVL):c.604dupC(L202Pfs*51) is expected to be pathogenic in the context of very-long-chain acyl-CoA dehydrogenase deficiency. This variant is predicted to lead to an abnormal or absent protein product due to the creation of a premature termination codon in ACADVL, a gene where loss-of-function variants are known to be pathogenic. Please note: this variant was assessed in the context of healthy population screening.